The following is an entry in ClinVar:

NM_001369.3(DNAH5):c.8777T>C (p.Met2926Thr)

Gene: DNAH5 (dynein axonemal heavy chain 5; minus strand). Cytogenetic location: 5p15.2.
Variant type: single nucleotide variant.
Coding change: c.8777T>C on transcript NM_001369.3 (MANE Select); coding-DNA position 8777, T replaced by C.
Protein change: p.Met2926Thr; replaces methionine 2926 with threonine.
Molecular consequence: missense variant.
Genome position (GRCh38, 1-based): chr5:13,786,222, A>G on the plus strand (T>C on the coding strand, the complement: DNAH5 is on the minus strand). VCF-style: chr5-13786222-A-G. GRCh37 (hg19) VCF-style: chr5-13786331-A-G.
Other names: short protein forms M2926T.
Identifiers: ClinVar variation 578861 (VCV000578861.7), dbSNP rs372071561, ClinGen allele CA3202737.

ClinVar aggregate classification (germline): Uncertain significance. Review status: criteria provided, single submitter (1 of 4 stars). 2 submissions from 2 submitters: Uncertain significance (1). 1 of the submissions does not count toward it. Last evaluated 2021-08-13.

Conditions:
Primary ciliary dyskinesia. Also called: Ciliary dyskinesia. Identifiers: Orphanet 244, MedGen C0008780, MONDO:0016575, HP:0012265.

Allele frequency attached by ClinVar (database versions not stated): gnomAD 0.00001; TOPMed 0.00001; ESP Exome Variant Server 0.00008.
gnomAD v4.1: 5 of 1,613,988 alleles (0.00031%); highest among the groups gnomAD compares: African/African-American, 0.0013%; no homozygotes.

Submissions (2):

Labcorp Genetics (formerly Invitae), Labcorp
Classification: Uncertain significance for Primary ciliary dyskinesia. Last evaluated: 2021-08-13. Review status: criteria provided, single submitter. Criteria: Invitae Variant Classification Sherloc (09022015). Collection method: clinical testing. Allele origin: germline.
Comment: This sequence change replaces methionine with threonine at codon 2926 of the DNAH5 protein (p.Met2926Thr). The methionine residue is highly conserved and there is a moderate physicochemical difference between methionine and threonine. This variant is present in population databases (rs372071561, ExAC 0.002%). This variant has not been reported in the literature in individuals affected with DNAH5-related conditions. Algorithms developed to predict the effect of missense changes on protein structure and function (SIFT, PolyPhen-2, Align-GVGD) all suggest that this variant is likely to be tolerated. In summary, the available evidence is currently insufficient to determine the role of this variant in disease. Therefore, it has been classified as a Variant of Uncertain Significance.

Natera, Inc.
Classification: Uncertain significance for Primary ciliary dyskinesia. Last evaluated: 2025-02-10. Review status: no assertion criteria provided. Collection method: clinical testing. Allele origin: germline. Not counted in ClinVar's aggregate classification.